The following is an entry in ClinVar:

ClinVar aggregate classification (germline): Uncertain significance (1 of 4 stars; one submission).

Conditions:
BBS9-related disorder. Also called: BBS9-related condition.

Allele frequency attached by ClinVar (database versions not stated): TOPMed 0.00017; gnomAD 0.00023.
gnomAD v4.1: 20 of 88,584 alleles (0.023%); highest among the groups gnomAD compares: African/African-American, 0.058%; no homozygotes.

Submission:

PreventionGenetics, part of Exact Sciences
Classification: Uncertain significance for BBS9-related condition. Last evaluated: 2026-03-19. Review status: criteria provided, single submitter. Criteria: ACMG Guidelines, 2015. Collection method: clinical testing. Allele origin: germline.
Comment: The BBS9 c.2676A>G variant is predicted to result in the amino acid substitution p.Ile892Met. Note that this is in a non-canonical transcript (NM_001348041.2); in the primary transcript listed in the Human Gene Mutation Database (NM_198428.3), this variant is post-coding (c.*29994A>G). To our knowledge, this variant has not been reported in the literature. This variant is reported in 0.029% of alleles in individuals of African descent in gnomAD. At this time, the clinical significance of this variant is uncertain due to the absence of conclusive functional and genetic evidence.

NM_001348041.4(BBS9):c.2676A>G (p.Ile892Met)

Gene: BBS9 (Bardet-Biedl syndrome 9; plus strand). Cytogenetic location: 7p14.3.
Variant type: single nucleotide variant.
Coding change: c.2676A>G on transcript NM_001348041.4; coding-DNA position 2676, A replaced by G.
Protein change: p.Ile892Met; replaces isoleucine 892 with methionine.
Molecular consequence: missense variant.
Genome position (GRCh38, 1-based): chr7:33,635,220, A>G. VCF-style: chr7-33635220-A-G. GRCh37 (hg19) VCF-style: chr7-33674832-A-G.
Other names: c.2565A>G, p.Ile855Met (NM_001362679.1); short protein forms I855M, I892M.
Identifiers: ClinVar variation 2632084 (VCV002632084.4), dbSNP rs899588023, ClinGen allele CA156759689.